The following is an entry in ClinVar:

NM_001040716.2(PC):c.838G>A (p.Ala280Thr)

Gene: PC (pyruvate carboxylase; minus strand). Cytogenetic location: 11q13.2.
Variant type: single nucleotide variant.
Coding change: c.838G>A on transcript NM_001040716.2 (MANE Select); coding-DNA position 838, G replaced by A.
Protein change: p.Ala280Thr; replaces alanine 280 with threonine.
Molecular consequence: missense variant.
Genome position (GRCh38, 1-based): chr11:66,870,367, C>T on the plus strand (G>A on the coding strand, the complement: PC is on the minus strand). VCF-style: chr11-66870367-C-T. GRCh37 (hg19) VCF-style: chr11-66637838-C-T.
Other names: c.838G>A (NM_000920.3); c.838G>A, p.Ala280Thr (NM_000920.4, NM_022172.3); short protein forms A280T.
Identifiers: ClinVar variation 1002212 (VCV001002212.4), dbSNP rs752585997, ClinGen allele CA6132095.

ClinVar aggregate classification (germline): Uncertain significance. Review status: criteria provided, multiple submitters, no conflicts (2 of 4 stars). 2 submissions from 2 submitters: Uncertain significance (2). Last evaluated 2023-11-16.

Conditions:
Inborn genetic diseases. Identifiers: MedGen C0950123, MeSH D030342.
Pyruvate carboxylase deficiency. Also called: PC DEFICIENCY; ATAXIA WITH LACTIC ACIDOSIS II; Pyruvate Carboxylase Deficiency Disease; LEIGH NECROTIZING ENCEPHALOPATHY DUE TO PYRUVATE CARBOXYLASE DEFICIENCY; LEIGH SYNDROME DUE TO PYRUVATE CARBOXYLASE DEFICIENCY. Identifiers: Orphanet 3008, MedGen C0034341, MONDO:0009949, OMIM 266150.

Allele frequency attached by ClinVar (database versions not stated): gnomAD below 0.00001 and 0.00003; TOPMed below 0.00001; gnomAD exomes 0.00004 and 0.00006; ExAC 0.00009.
gnomAD v4.1: 56 of 1,613,528 alleles (0.0035%); highest among the groups gnomAD compares: South Asian, 0.05%; no homozygotes.

Submissions (2):

Ambry Genetics
Classification: Uncertain significance for Inborn genetic diseases. Last evaluated: 2023-11-16. Review status: criteria provided, single submitter. Criteria: Ambry Variant Classification Scheme 2023. Collection method: clinical testing. Allele origin: germline.

Labcorp Genetics (formerly Invitae), Labcorp
Classification: Uncertain significance for Pyruvate carboxylase deficiency. Last evaluated: 2022-08-10. Review status: criteria provided, single submitter. Criteria: Invitae Variant Classification Sherloc (09022015). Collection method: clinical testing. Allele origin: germline.
Comment: This sequence change replaces alanine, which is neutral and non-polar, with threonine, which is neutral and polar, at codon 280 of the PC protein (p.Ala280Thr). This variant is present in population databases (rs752585997, gnomAD 0.05%). This variant has not been reported in the literature in individuals affected with PC-related conditions. ClinVar contains an entry for this variant (Variation ID: 1002212). Algorithms developed to predict the effect of missense changes on protein structure and function are either unavailable or do not agree on the potential impact of this missense change (SIFT: "Deleterious"; PolyPhen-2: "Probably Damaging"; Align-GVGD: "Class C0"). In summary, the available evidence is currently insufficient to determine the role of this variant in disease. Therefore, it has been classified as a Variant of Uncertain Significance.